The following is an entry in ClinVar:

ClinVar aggregate classification (germline): Uncertain significance. Review status: criteria provided, multiple submitters, no conflicts (2 of 4 stars). 2 submissions from 2 submitters: Uncertain significance (2). Last evaluated 2024-03-07.

Conditions:
Hereditary cancer-predisposing syndrome. Also called: Tumor predisposition; Neoplastic Syndromes, Hereditary; Hereditary neoplastic syndrome; Hereditary Cancer Syndrome. Identifiers: Orphanet 140162, MedGen C0027672, MeSH D009386, MONDO:0015356.
Hereditary breast ovarian cancer syndrome. Also called: BRCA1- and BRCA2-Associated Hereditary Breast and Ovarian Cancer; Hereditary breast and/or ovarian cancer syndrome; Hereditary breast and ovarian cancer syndrome; Hereditary breast and ovarian cancer; Hereditary breast and ovarian cancer syndrome (HBOC); Breast and ovarian cancer. Identifiers: Orphanet 145, MedGen C0677776, MeSH D061325, MONDO:0003582. Disease mechanism: loss of function.

Allele frequency attached by ClinVar (database versions not stated): gnomAD exomes below 0.00001.
gnomAD v4.1: 1 of 1,614,164 alleles (0.000062%); highest among the groups gnomAD compares: Admixed American, 0.0017%; no homozygotes.

Submissions (2):

Color Diagnostics, LLC DBA Color Health
Classification: Uncertain significance for Hereditary cancer-predisposing syndrome. Last evaluated: 2024-03-07. Review status: criteria provided, single submitter. Criteria: ACMG Guidelines, 2015. Collection method: clinical testing. Allele origin: germline.
Comment: This missense variant replaces arginine with threonine at codon 3381 of the BRCA2 protein. Computational prediction suggests that this variant may not impact protein structure and function (internally defined REVEL score threshold <= 0.5, PMID: 27666373). To our knowledge, functional studies have not been reported for this variant. This variant has not been reported in individuals affected with hereditary cancer in the literature. This variant has not been identified in the general population by the Genome Aggregation Database (gnomAD). The available evidence is insufficient to determine the role of this variant in disease conclusively. Therefore, this variant is classified as a Variant of Uncertain Significance.

Labcorp Genetics (formerly Invitae), Labcorp
Classification: Uncertain significance for Hereditary breast ovarian cancer syndrome. Last evaluated: 2021-02-03. Review status: criteria provided, single submitter. Criteria: Invitae Variant Classification Sherloc (09022015). Collection method: clinical testing. Allele origin: germline.
Comment: In summary, the available evidence is currently insufficient to determine the role of this variant in disease. Therefore, it has been classified as a Variant of Uncertain Significance. Algorithms developed to predict the effect of missense changes on protein structure and function output the following: SIFT: "Tolerated"; PolyPhen-2: "Benign"; Align-GVGD: "Class C0". The threonine amino acid residue is found in multiple mammalian species, suggesting that this missense change does not adversely affect protein function. These predictions have not been confirmed by published functional studies and their clinical significance is uncertain. This variant has not been reported in the literature in individuals with BRCA2-related conditions. This variant is not present in population databases (ExAC no frequency). This sequence change replaces arginine with threonine at codon 3381 of the BRCA2 protein (p.Arg3381Thr). The arginine residue is weakly conserved and there is a moderate physicochemical difference between arginine and threonine.

NM_000059.4(BRCA2):c.10142G>C (p.Arg3381Thr)

Gene: BRCA2 (BRCA2 DNA repair associated; plus strand). Cytogenetic location: 13q13.1.
Variant type: single nucleotide variant.
Coding change: c.10142G>C on transcript NM_000059.4 (MANE Select); coding-DNA position 10142, G replaced by C.
Protein change: p.Arg3381Thr; replaces arginine 3381 with threonine.
Molecular consequence: missense variant.
Genome position (GRCh38, 1-based): chr13:32,398,655, G>C. VCF-style: chr13-32398655-G-C. GRCh37 (hg19) VCF-style: chr13-32972792-G-C.
Other names: short protein forms R3381T.
Identifiers: ClinVar variation 1017597 (VCV001017597.11), dbSNP rs2073056249, ClinGen allele CA387768136.
Genomic context (GRCh38, chr13:32,398,655, plus strand): 5'-AATTTATATCTGTCAGTGAATCCACTAGGACTGCTCCCACCAGTTCAGAAGATTATCTCA[G>C]ACTGAAACGACGTTGTACTACATCTCTGATCAAAGAACAGGAGAGTTCCCAGGCCAGTAC-3'
Protein context (NP_000050.3, residues 3371-3391): TAPTSSEDYL[Arg3381Thr]LKRRCTTSLI